The following is an entry in ClinVar:

NM_005359.6(SMAD4):c.*7_*8del

Gene: SMAD4 (SMAD family member 4; plus strand). Cytogenetic location: 18q21.2.
Variant type: Deletion.
Coding change: c.*7_*8del on transcript NM_005359.6 (MANE Select); 7 bases downstream of the stop codon through 8 bases downstream of the stop codon, 2 bases deleted (TT; older notation c.*7_*8delTT).
Molecular consequence: 3 prime UTR variant.
Genome position (GRCh38, 1-based): chr18:51,078,474-51,078,475, TT deleted; deleting any 2 consecutive bases within chr18:51,078,472-51,078,475 gives the same sequence; the c. name uses the placement nearest the transcript's 3' end. VCF-style (leftmost placement, unchanged base first): chr18-51078471-CTT-C. GRCh37 (hg19) VCF-style: chr18-48604841-CTT-C.
Identifiers: ClinVar variation 628132 (VCV000628132.5), dbSNP rs1176679575, ClinGen allele CA629926730.
Genomic context (GRCh38, chr18:51,078,471, plus strand): 5'-CTCCTAGACGAAGTACTTCATACCATGCCGATTGCAGACCCACAACCTTTAGACTGAGGT[CTT>C]TTACCGTTGGGGCCCTTAACCTTATCAGGATGGTGGACTACAAAATACAATCCTGTTTAT-3'

ClinVar aggregate classification (germline): Benign/Likely benign. Review status: criteria provided, multiple submitters, no conflicts (2 of 4 stars). 2 submissions from 2 submitters: Benign (1); Likely benign (1). Last evaluated 2025-03-24.

Conditions:
Hereditary cancer-predisposing syndrome. Also called: Hereditary neoplastic syndrome; Neoplastic Syndromes, Hereditary; Tumor predisposition; Hereditary Cancer Syndrome. Identifiers: Orphanet 140162, MedGen C0027672, MeSH D009386, MONDO:0015356.
Juvenile polyposis/hereditary hemorrhagic telangiectasia syndrome (JPHT). Also called: Juvenile Polyposis Syndrome / Hereditary Hemorrhagic Telangiectasia (JPS/HHT); JP/HHT SYNDROME; JUVENILE POLYPOSIS WITH HEREDITARY HEMORRHAGIC TELANGIECTASIA; POLYPOSIS, GENERALIZED JUVENILE, WITH PULMONARY ARTERIOVENOUS MALFORMATION; TELANGIECTASIA, HEREDITARY HEMORRHAGIC, WITH JUVENILE POLYPOSIS COLI. Identifiers: Orphanet 2929, MedGen C1832942, MONDO:0008278, OMIM 175050.

Submissions (2):

Myriad Genetics, Inc.
Classification: Benign for Juvenile polyposis/hereditary hemorrhagic telangiectasia syndrome. Last evaluated: 2025-03-24. Review status: criteria provided, single submitter. Criteria: Myriad Autosomal Dominant, Autosomal Recessive and X-Linked Classification Criteria (2023). Collection method: clinical testing. Allele origin: unknown.
Comment: This variant is considered benign. This variant occurs in the non-coding 3' untranslated region of the gene, and is not expected to impact protein function.

Color Diagnostics, LLC DBA Color Health
Classification: Likely benign for Hereditary cancer-predisposing syndrome. Last evaluated: 2021-07-02. Review status: criteria provided, single submitter. Criteria: ACMG Guidelines, 2015. Collection method: clinical testing. Allele origin: germline.